The following is an entry in ClinVar:

NM_007294.4(BRCA1):c.1930T>G (p.Cys644Gly)

Gene: BRCA1 (BRCA1 DNA repair associated; minus strand). Cytogenetic location: 17q21.31.
Variant type: single nucleotide variant.
Coding change: c.1930T>G on transcript NM_007294.4 (MANE Select); coding-DNA position 1930, T replaced by G.
Protein change: p.Cys644Gly; replaces cysteine 644 with glycine.
Molecular consequence: missense variant. On other transcripts: intron variant (137).
Genome position (GRCh38, 1-based): chr17:43,093,601, A>C on the plus strand (T>G on the coding strand, the complement: BRCA1 is on the minus strand). VCF-style: chr17-43093601-A-C. GRCh37 (hg19) VCF-style: chr17-41245618-A-C.
Other names: c.1717T>G, p.Cys573Gly (NM_001407571.1, NM_001407853.1, NM_001407894.1 and 9 more transcripts); c.1930T>G, p.Cys644Gly (NM_001407581.1, NM_001407582.1, NM_001407583.1 and 30 more transcripts); c.1927T>G, p.Cys643Gly (NM_001407587.1, NM_001407590.1, NM_001407591.1 and 22 more transcripts); c.1921T>G, p.Cys641Gly (NM_001407646.1, NM_001407647.1); c.1807T>G, p.Cys603Gly (NM_001407648.1, NM_001407664.1, NM_001407665.1 and 19 more transcripts); c.1804T>G, p.Cys602Gly (NM_001407649.1, NM_001407670.1, NM_001407671.1 and 11 more transcripts); c.1852T>G, p.Cys618Gly (NM_001407653.1, NM_001407654.1, NM_001407655.1 and 4 more transcripts); c.1849T>G, p.Cys617Gly (NM_001407659.1, NM_001407660.1, NM_001407661.1 and 1 more transcripts); and 40 more; short protein forms C597G, C644G, C476G, C517G, C577G, C641G, C348G, C532G.
Identifiers: ClinVar variation 1005082 (VCV001005082.12), dbSNP rs753521391, ClinGen allele CA10598165.
Genomic context (GRCh38, chr17:43,093,601, plus strand): 5'-TGCTGTGCCTGACTGGCATTTGGTTGTACTTTTTTTTCTTTATCTCTTCACTGCTAGAAC[A>C]ACTATCAATTTGCAATTCAGTACAATTAGGTGGGCTTAGATTTCTACTGACTACTAGTTC-3'
Protein context (NP_009225.1, residues 634-654): PNCTELQIDS[Cys644Gly]SSSEEIKKKK

ClinVar aggregate classification (germline): Conflicting classifications of pathogenicity. Review status: criteria provided, conflicting classifications (1 of 4 stars). 2 submissions from 2 submitters: Uncertain significance (1); Likely benign (1). Last evaluated 2023-03-23.

Conditions:
Hereditary cancer-predisposing syndrome. Also called: Hereditary neoplastic syndrome; Neoplastic Syndromes, Hereditary; Tumor predisposition; Hereditary Cancer Syndrome. Identifiers: Orphanet 140162, MedGen C0027672, MeSH D009386, MONDO:0015356.
Hereditary breast ovarian cancer syndrome. Also called: Hereditary breast and/or ovarian cancer syndrome; Hereditary breast and ovarian cancer syndrome; Hereditary breast and ovarian cancer syndrome (HBOC); Breast and ovarian cancer; BRCA1- and BRCA2-Associated Hereditary Breast and Ovarian Cancer; Hereditary breast and ovarian cancer. Identifiers: Orphanet 145, MedGen C0677776, MeSH D061325, MONDO:0003582. Disease mechanism: loss of function.

Submissions (2):

University of Washington Department of Laboratory Medicine, University of Washington
Classification: Likely benign for Hereditary cancer-predisposing syndrome. Last evaluated: 2023-03-23. Review status: criteria provided, single submitter. Criteria: Dines et al. (Genet Med. 2020). Collection method: curation. Allele origin: germline.
Comment: Missense variant in a coldspot region where missense variants are very unlikely to be pathogenic (PMID:31911673).

BRCA1 coldspot (exon 11 using historical exon numbering). Reclassification based on statistical prior probability

Labcorp Genetics (formerly Invitae), Labcorp
Classification: Uncertain significance for Hereditary breast ovarian cancer syndrome. Last evaluated: 2020-03-03. Review status: criteria provided, single submitter. Criteria: Invitae Variant Classification Sherloc (09022015). Collection method: clinical testing. Allele origin: germline.
Comment: In summary, the available evidence is currently insufficient to determine the role of this variant in disease. Therefore, it has been classified as a Variant of Uncertain Significance. Algorithms developed to predict the effect of missense changes on protein structure and function (SIFT, PolyPhen-2, Align-GVGD) all suggest that this variant is likely to be tolerated, but these predictions have not been confirmed by published functional studies and their clinical significance is uncertain. This variant has not been reported in the literature in individuals with BRCA1-related conditions. This variant is not present in population databases (ExAC no frequency). This sequence change replaces cysteine with glycine at codon 644 of the BRCA1 protein (p.Cys644Gly). The cysteine residue is moderately conserved and there is a large physicochemical difference between cysteine and glycine.